The following is an entry in ClinVar:

NM_000073.3(CD3G):c.56G>A (p.Gly19Asp)

Gene: CD3G (CD3 gamma subunit of T-cell receptor complex; plus strand). Cytogenetic location: 11q23.3.
Variant type: single nucleotide variant.
Coding change: c.56G>A on transcript NM_000073.3 (MANE Select); coding-DNA position 56, G replaced by A.
Protein change: p.Gly19Asp; replaces glycine 19 with aspartic acid.
Molecular consequence: missense variant.
Genome position (GRCh38, 1-based): chr11:118,349,027, G>A. VCF-style: chr11-118349027-G-A. GRCh37 (hg19) VCF-style: chr11-118219742-G-A.
Other names: short protein forms G19D.
Identifiers: ClinVar variation 541656 (VCV000541656.58), dbSNP rs146393315, ClinGen allele CA6302073.

ClinVar aggregate classification (germline): Conflicting classifications of pathogenicity. Review status: criteria provided, conflicting classifications (1 of 4 stars). 5 submissions from 5 submitters: Uncertain significance (3); Likely benign (1). 1 of the submissions does not count toward it. Last evaluated 2026-01-28.

Conditions:
CD3G-related disorder. Also called: CD3G-related condition.
Combined immunodeficiency due to CD3gamma deficiency. Also called: Immunodeficiency 17; CD3-GAMMA DEFICIENCY; SCID-LIKE IMMUNODEFICIENCY, T CELL-PARTIAL, B CELL-POSITIVE, NK CELL-POSITIVE; Immunodeficiency 17, CD3 gamma deficient. Identifiers: Orphanet 169082, MedGen C3810107, MONDO:0014276, OMIM 615607.

Allele frequency attached by ClinVar (database versions not stated): gnomAD exomes 0.00074 and 0.00123; gnomAD 0.00075 and 0.00067; ESP Exome Variant Server 0.00085; 1000 Genomes Project 30x 0.00031; 1000 Genomes Project 0.00040; ExAC 0.00063; TOPMed 0.00072.
gnomAD v4.1: 1,899 of 1,614,066 alleles (0.12%); highest among the groups gnomAD compares: Non-Finnish European, 0.14%; 2 homozygotes.

Submissions (5):

Labcorp Genetics (formerly Invitae), Labcorp
Classification: Likely benign for Combined immunodeficiency due to CD3gamma deficiency. Last evaluated: 2026-01-28. Review status: criteria provided, single submitter. Criteria: Invitae Variant Classification Sherloc (09022015). Collection method: clinical testing. Allele origin: germline.

Blueprint Genetics
Classification: Uncertain significance. Last evaluated: 2024-11-21. Review status: criteria provided, single submitter. Criteria: ACMG Guidelines, 2015. Collection method: clinical testing. Allele origin: germline.

CeGaT Center for Human Genetics Tuebingen
Classification: Uncertain significance. Last evaluated: 2019-11-01. Review status: criteria provided, single submitter. Criteria: CeGaT Center For Human Genetics Tuebingen Variant Classification Criteria Version 2. Collection method: clinical testing. Allele origin: germline. Affected: yes. Observed: 1 variant allele.

Illumina Laboratory Services, Illumina
Classification: Uncertain significance for Combined immunodeficiency due to CD3gamma deficiency. Last evaluated: 2018-01-13. Review status: criteria provided, single submitter. Criteria: ICSL Variant Classification Criteria 13 December 2019. Collection method: clinical testing. Allele origin: germline.

PreventionGenetics, part of Exact Sciences
Classification: Likely benign for CD3G-related condition. Last evaluated: 2023-11-29. Review status: no assertion criteria provided. Collection method: clinical testing. Allele origin: germline. Not counted in ClinVar's aggregate classification.
Comment: This variant is classified as likely benign based on ACMG/AMP sequence variant interpretation guidelines (Richards et al. 2015 PMID: 25741868, with internal and published modifications).